The following is an entry in ClinVar:

NM_001374385.1(ATP8B1):c.1299C>G (p.Pro433=)

Gene: ATP8B1 (ATPase phospholipid transporting 8B1; minus strand). Cytogenetic location: 18q21.31.
Variant type: single nucleotide variant.
Coding change: c.1299C>G on transcript NM_001374385.1 (MANE Select); coding-DNA position 1299, C replaced by G.
Protein change: p.Pro433=; no amino-acid change (proline 433 retained).
Molecular consequence: synonymous variant.
Genome position (GRCh38, 1-based): chr18:57,688,429, G>C on the plus strand (C>G on the coding strand, the complement: ATP8B1 is on the minus strand). VCF-style: chr18-57688429-G-C. GRCh37 (hg19) VCF-style: chr18-55355661-G-C.
Other names: c.1149C>G, p.Pro383= (NM_001374386.1); c.1299C>G, p.Pro433= (NM_005603.6); c.1299C>G (NM_005603.4).
Identifiers: ClinVar variation 2787673 (VCV002787673.5), dbSNP rs202128847, ClinGen allele CA504009245.

ClinVar aggregate classification (germline): Likely benign. Review status: criteria provided, single submitter (1 of 4 stars). 2 submissions from 2 submitters: Likely benign (1). 1 of the submissions does not count toward it. Last evaluated 2023-07-13.

Conditions:
ATP8B1-related disorder. Also called: ATP8B1-related disorders; ATP8B1-related condition.

Allele frequency attached by ClinVar (database versions not stated): gnomAD 0.00001.
gnomAD v4.1: 5 of 1,614,032 alleles (0.00031%); highest among the groups gnomAD compares: Admixed American, 0.0033%; no homozygotes.

Submissions (2):

Labcorp Genetics (formerly Invitae), Labcorp
Classification: Likely benign. Last evaluated: 2023-07-13. Review status: criteria provided, single submitter. Criteria: Invitae Variant Classification Sherloc (09022015). Collection method: clinical testing. Allele origin: germline.

PreventionGenetics, part of Exact Sciences
Classification: Likely benign for ATP8B1-related condition. Last evaluated: 2021-09-15. Review status: no assertion criteria provided. Collection method: clinical testing. Allele origin: germline. Not counted in ClinVar's aggregate classification.
Comment: This variant is classified as likely benign based on ACMG/AMP sequence variant interpretation guidelines (Richards et al. 2015 PMID: 25741868, with internal and published modifications).